The following is an entry in ClinVar:

ClinVar aggregate classification (germline): Uncertain significance (1 of 4 stars; one submission).

Conditions:
KBG syndrome (KBGS). Also called: ANKRD11-Related KBG Syndrome. Identifiers: Orphanet 2332, MedGen C0220687, MONDO:0007846, OMIM 148050.

Submission:

Labcorp Genetics (formerly Invitae), Labcorp
Classification: Uncertain significance for KBG syndrome. Last evaluated: 2025-04-07. Review status: criteria provided, single submitter. Criteria: Invitae Variant Classification Sherloc (09022015). Collection method: clinical testing. Allele origin: germline.
Comment: This sequence change replaces asparagine, which is neutral and polar, with histidine, which is basic and polar, at codon 2277 of the ANKRD11 protein (p.Asn2277His). This variant is not present in population databases (gnomAD no frequency). This variant has not been reported in the literature in individuals affected with ANKRD11-related conditions. Invitae Evidence Modeling of protein sequence and biophysical properties (such as structural, functional, and spatial information, amino acid conservation, physicochemical variation, residue mobility, and thermodynamic stability) indicates that this missense variant is not expected to disrupt ANKRD11 protein function with a negative predictive value of 95%. In summary, the available evidence is currently insufficient to determine the role of this variant in disease. Therefore, it has been classified as a Variant of Uncertain Significance.

NM_013275.6(ANKRD11):c.6829A>C (p.Asn2277His)

Gene: ANKRD11 (ankyrin repeat domain 11; minus strand). Cytogenetic location: 16q24.3.
Variant type: single nucleotide variant.
Coding change: c.6829A>C on transcript NM_013275.6 (MANE Select); coding-DNA position 6829, A replaced by C.
Protein change: p.Asn2277His; replaces asparagine 2277 with histidine.
Molecular consequence: missense variant.
Genome position (GRCh38, 1-based): chr16:89,279,713, T>G on the plus strand (A>C on the coding strand, the complement: ANKRD11 is on the minus strand). VCF-style: chr16-89279713-T-G. GRCh37 (hg19) VCF-style: chr16-89346121-T-G.
Other names: c.6829A>C, p.Asn2277His (NM_001256182.2, NM_001256183.2); short protein forms N2277H.
Identifiers: ClinVar variation 4802788 (VCV004802788.1).